The following is an entry in ClinVar:

ClinVar aggregate classification (germline): Uncertain significance (1 of 4 stars; one submission).

Submission:

Labcorp Genetics (formerly Invitae), Labcorp
Classification: Uncertain significance. Last evaluated: 2022-04-06. Review status: criteria provided, single submitter. Criteria: Invitae Variant Classification Sherloc (09022015). Collection method: clinical testing. Allele origin: germline.
Comment: In summary, the available evidence is currently insufficient to determine the role of this variant in disease. Therefore, it has been classified as a Variant of Uncertain Significance. This variant, c.2071_2073del, results in the deletion of 1 amino acid(s) of the MAP3K20 protein (p.Ser691del), but otherwise preserves the integrity of the reading frame. This variant is present in population databases (rs777840177, gnomAD 0.1%). This variant has not been reported in the literature in individuals affected with MAP3K20-related conditions. Experimental studies and prediction algorithms are not available or were not evaluated, and the functional significance of this variant is currently unknown.

NM_016653.3(MAP3K20):c.2068TCT[1] (p.Ser691del)

Genes: MAP3K20 (mitogen-activated protein kinase kinase kinase 20; plus strand), MAP3K20-AS1 (MAP3K20 antisense RNA 1; minus strand). Cytogenetic location: 2q31.1.
Variant type: Microsatellite.
Coding change: c.2068TCT[1] on transcript NM_016653.3 (MANE Select); one copy of the 3-base unit TCT starting at c.2068; the reference has two copies in a row; one copy, 3 bases deleted.
Protein change: p.Ser691del; deletes serine 691.
Molecular consequence: inframe deletion.
Genome position (GRCh38, 1-based): chr2:173,266,418-173,266,420, TCT deleted; deleting any 3 consecutive bases within chr2:173,266,414-173,266,420 gives the same sequence; the position shown is the placement nearest the transcript's 3' end. VCF-style (leftmost placement, unchanged base first): chr2-173266413-ATTC-A. GRCh37 (hg19) VCF-style: chr2-174131141-ATTC-A.
Other names: short protein forms S691del.
Identifiers: ClinVar variation 1924752 (VCV001924752.4), dbSNP rs777840177, ClinGen allele CA1971029.
Genomic context (GRCh38, chr2:173,266,413, plus strand): 5'-AGAGGGGTCGATACTCAGACAGAAGCAGGAACAAATATGGACGTGGTAGTATATCACTCA[ATTC>A]TTCTCCTAGAGGAAGATACAGTGGAAAGAGTCAGCATTCCACTCCTTCAAGAGGAAGATA-3'